The following is an entry in ClinVar:

NM_000399.5(EGR2):c.421C>T (p.Pro141Ser)

Gene: EGR2 (early growth response 2; minus strand). Cytogenetic location: 10q21.3.
Variant type: single nucleotide variant.
Coding change: c.421C>T on transcript NM_000399.5 (MANE Select); coding-DNA position 421, C replaced by T.
Protein change: p.Pro141Ser; replaces proline 141 with serine.
Molecular consequence: missense variant.
Genome position (GRCh38, 1-based): chr10:62,814,217, G>A on the plus strand (C>T on the coding strand, the complement: EGR2 is on the minus strand). VCF-style: chr10-62814217-G-A. GRCh37 (hg19) VCF-style: chr10-64573977-G-A.
Other names: c.421C>T, p.Pro141Ser (NM_001136177.3, NM_001136178.2); c.271C>T, p.Pro91Ser (NM_001136179.3, NM_001321037.2); c.460C>T, p.Pro154Ser (NM_001410931.1); short protein forms P141S, P154S, P91S.
Identifiers: ClinVar variation 3625386 (VCV003625386.3).

ClinVar aggregate classification (germline): Uncertain significance. Review status: criteria provided, multiple submitters, no conflicts (2 of 4 stars). 2 submissions from 2 submitters: Uncertain significance (2). Last evaluated 2026-03-10.

Conditions:
Charcot-Marie-Tooth disease, type I (CMT1). Also called: Charcot-Marie-Tooth disease type 1; Charcot-Marie-Tooth, Type 1. Identifiers: Orphanet 65753, MedGen C0751036, MONDO:0019011.

Submissions (2):

GeneDx
Classification: Uncertain significance. Last evaluated: 2026-03-10. Review status: criteria provided, single submitter. Criteria: GeneDx Variant Classification Process June 2021. Collection method: clinical testing. Allele origin: germline.
Comment: Not observed at significant frequency in large population cohorts (gnomAD); In silico analysis suggests that this missense variant does not alter protein structure/function; Has not been previously published as pathogenic or benign to our knowledge

Labcorp Genetics (formerly Invitae), Labcorp
Classification: Uncertain significance for Charcot-Marie-Tooth disease, type I. Last evaluated: 2024-05-09. Review status: criteria provided, single submitter. Criteria: Invitae Variant Classification Sherloc (09022015). Collection method: clinical testing. Allele origin: germline.
Comment: This sequence change replaces proline, which is neutral and non-polar, with serine, which is neutral and polar, at codon 141 of the EGR2 protein (p.Pro141Ser). This variant is not present in population databases (gnomAD no frequency). This variant has not been reported in the literature in individuals affected with EGR2-related conditions. Advanced modeling of protein sequence and biophysical properties (such as structural, functional, and spatial information, amino acid conservation, physicochemical variation, residue mobility, and thermodynamic stability) performed at Invitae indicates that this missense variant is not expected to disrupt EGR2 protein function with a negative predictive value of 80%. In summary, the available evidence is currently insufficient to determine the role of this variant in disease. Therefore, it has been classified as a Variant of Uncertain Significance.